The following is an entry in ClinVar:

ClinVar aggregate classification (germline): Uncertain significance (1 of 4 stars; one submission).

Conditions:
Heterotopia, periventricular, X-linked dominant (PVNH1). Also called: PERIVENTRICULAR NODULAR HETEROTOPIA 1; X-linked periventricular heterotopia; PERIVENTRICULAR NODULAR HETEROTOPIA 4; HETEROTOPIA, PERIVENTRICULAR, 1. Identifiers: Orphanet 2149, Orphanet 82004, MedGen C1848213, MONDO:0010233, OMIM 300049.
Oto-palato-digital syndrome, type II (OPD2). Also called: OPD II SYNDROME; FACIOPALATOOSSEOUS SYNDROME; Otopalatodigital Syndrome Type 2 (FLNA-OPD2); Otopalatodigital Syndrome, Type II. Identifiers: Orphanet 669, Orphanet 90652, MedGen C1844696, MONDO:0010571, OMIM 304120.
Frontometaphyseal dysplasia (FMD1). Identifiers: Orphanet 1826, MedGen C0265293, MONDO:0015942.
Melnick-Needles syndrome (MNS). Also called: MELNICK-NEEDLES OSTEODYSPLASTY; OSTEODYSPLASTY OF MELNICK AND NEEDLES; Melnick-Needles Syndrome (FLNA-MNS). Identifiers: Orphanet 2484, MedGen C0025237, MONDO:0010650, OMIM 309350.

Submission:

Labcorp Genetics (formerly Invitae), Labcorp
Classification: Uncertain significance for Oto-palato-digital syndrome, type II; Heterotopia, periventricular, X-linked dominant; Frontometaphyseal dysplasia; Melnick-Needles syndrome. Last evaluated: 2019-03-20. Review status: criteria provided, single submitter. Criteria: Invitae Variant Classification Sherloc (09022015). Collection method: clinical testing. Allele origin: germline.
Comment: This variant is not present in population databases (ExAC no frequency). This variant has not been reported in the literature in individuals with FLNA-related conditions. Algorithms developed to predict the effect of missense changes on protein structure and function are either unavailable or do not agree on the potential impact of this missense change (SIFT: "Deleterious"; PolyPhen-2: "Possibly Damaging"; Align-GVGD: "Class C0"). In summary, the available evidence is currently insufficient to determine the role of this variant in disease. Therefore, it has been classified as a Variant of Uncertain Significance. This sequence change replaces lysine with asparagine at codon 43 of the FLNA protein (p.Lys43Asn). The lysine residue is highly conserved and there is a moderate physicochemical difference between lysine and asparagine.

NM_001110556.2(FLNA):c.129G>C (p.Lys43Asn)

Gene: FLNA (filamin A; minus strand). Cytogenetic location: Xq28.
Variant type: single nucleotide variant.
Coding change: c.129G>C on transcript NM_001110556.2 (MANE Select); coding-DNA position 129, G replaced by C.
Protein change: p.Lys43Asn; replaces lysine 43 with asparagine.
Molecular consequence: missense variant.
Genome position (GRCh38, 1-based): chrX:154,371,117, C>G on the plus strand (G>C on the coding strand, the complement: FLNA is on the minus strand). VCF-style: chrX-154371117-C-G. GRCh37 (hg19) VCF-style: chrX-153599485-C-G.
Other names: c.129G>C, p.Lys43Asn (NM_001456.4); short protein forms K43N.
Identifiers: ClinVar variation 841885 (VCV000841885.10), dbSNP rs1569551929, ClinGen allele CA415255434.